The following is an entry in ClinVar:

ClinVar aggregate classification (germline): Pathogenic, low penetrance (1 of 4 stars; one submission).

Conditions:
Atypical hemolytic-uremic syndrome. Identifiers: Orphanet 2134, MedGen C2931788, MONDO:0016244.

Submission:

Genomenon, Inc
Classification: Pathogenic, low penetrance for Atypical hemolytic-uremic syndrome. Last evaluated: 2025-10-02. Review status: criteria provided, single submitter. Criteria: Genomenon Sequence Variant Interpretation Standards - Updated. Collection method: curation. Allele origin: germline. Affected: yes.
Comment: CFH p.Tyr1136Ter (c.3408C>G) is a nonsense variant that introduces a premature stop codon at amino acid position 1136, creating a truncated protein that is predicted to undergo nonsense-mediated mRNA decay. This variant has been observed in at least one proband affected with atypical hemolytic-uremic syndrome (PMID:30659006). It is absent or not present at a significant frequency in gnomAD. In conclusion, we classify CFH p.Tyr1136Ter (c.3408C>G) as a pathogenic, low penetrance variant.

Literature cited by the submitters: PubMed 30659006.

NM_000186.4(CFH):c.3408C>G (p.Tyr1136Ter)

Gene: CFH (complement factor H; plus strand). Cytogenetic location: 1q31.3.
Variant type: single nucleotide variant.
Coding change: c.3408C>G on transcript NM_000186.4 (MANE Select); coding-DNA position 3408, C replaced by G.
Protein change: p.Tyr1136Ter; replaces tyrosine 1136 with a stop codon.
Molecular consequence: nonsense.
Genome position (GRCh38, 1-based): chr1:196,745,914, C>G. VCF-style: chr1-196745914-C-G. GRCh37 (hg19) VCF-style: chr1-196715044-C-G.
Other names: short protein forms Y1136*.
Identifiers: ClinVar variation 4291564 (VCV004291564.1).